The following is an entry in ClinVar:

NM_152296.5(ATP1A3):c.2408G>A (p.Gly803Asp)

Gene: ATP1A3 (ATPase Na+/K+ transporting subunit alpha 3; minus strand). Cytogenetic location: 19q13.2.
Variant type: single nucleotide variant.
Coding change: c.2408G>A on transcript NM_152296.5 (MANE Select); coding-DNA position 2408, G replaced by A.
Protein change: p.Gly803Asp; replaces glycine 803 with aspartic acid.
Molecular consequence: missense variant.
Genome position (GRCh38, 1-based): chr19:41,970,398, C>T on the plus strand (G>A on the coding strand, the complement: ATP1A3 is on the minus strand). VCF-style: chr19-41970398-C-T. GRCh37 (hg19) VCF-style: chr19-42474550-C-T.
Other names: c.2441G>A, p.Gly814Asp (NM_001256213.2); c.2447G>A, p.Gly816Asp (NM_001256214.2); short protein forms G803D, G816D, G814D.
Identifiers: ClinVar variation 468598 (VCV000468598.9), dbSNP rs1555859571, ClinGen allele CA406039252.

ClinVar aggregate classification (germline): Pathogenic/Likely pathogenic. Review status: criteria provided, multiple submitters, no conflicts (2 of 4 stars). 2 submissions from 2 submitters: Pathogenic (1); Likely pathogenic (1). Last evaluated 2024-12-11.

Conditions:
Dystonia 12 (DYT12). Also called: DYT-ATP1A3; Rapid-Onset Dystonia-Parkinsonism (RDP). Identifiers: Orphanet 71517, MedGen C1868681, MONDO:0007496, OMIM 128235.

Submissions (2):

Revvity Omics, Revvity
Classification: Likely pathogenic. Last evaluated: 2024-12-11. Review status: criteria provided, single submitter. Criteria: ACMG Guidelines, 2015. Collection method: clinical testing. Allele origin: germline.

Labcorp Genetics (formerly Invitae), Labcorp
Classification: Pathogenic for Dystonia 12. Last evaluated: 2023-10-03. Review status: criteria provided, single submitter. Criteria: Invitae Variant Classification Sherloc (09022015). Collection method: clinical testing. Allele origin: germline.
Comment: This sequence change replaces glycine, which is neutral and non-polar, with aspartic acid, which is acidic and polar, at codon 803 of the ATP1A3 protein (p.Gly803Asp). This variant is not present in population databases (gnomAD no frequency). This missense change has been observed in individual(s) with ATP1A3-related conditions (PMID: 35181663; Invitae). In at least one individual the variant was observed to be de novo. ClinVar contains an entry for this variant (Variation ID: 468598). Advanced modeling of protein sequence and biophysical properties (such as structural, functional, and spatial information, amino acid conservation, physicochemical variation, residue mobility, and thermodynamic stability) performed at Invitae indicates that this missense variant is expected to disrupt ATP1A3 protein function. For these reasons, this variant has been classified as Pathogenic.

Literature cited by the submitters: PubMed 35181663 (cited by Labcorp Genetics (formerly Invitae), Labcorp).